The following is an entry in ClinVar:

NM_000256.3(MYBPC3):c.537_540del (p.Gly180fs)

Gene: MYBPC3 (myosin binding protein C3; minus strand). Cytogenetic location: 11p11.2.
Variant type: Deletion.
Coding change: c.537_540del on transcript NM_000256.3 (MANE Select); coding-DNA positions 537 to 540, 4 bases deleted (CGGC; older notation c.537_540delCGGC).
Protein change: p.Gly180fs; shifts the reading frame from glycine 180.
Molecular consequence: frameshift variant.
Genome position (GRCh38, 1-based): chr11:47,349,888-47,349,891, GCCG deleted on the plus strand (CGGC on the coding strand, the reverse complement: MYBPC3 is on the minus strand); deleting any 4 consecutive bases within chr11:47,349,888-47,349,894 gives the same sequence; the c. name uses the placement nearest the transcript's 3' end. VCF-style (leftmost placement, unchanged base first): chr11-47349887-CGCCG-C. GRCh37 (hg19) VCF-style: chr11-47371438-CGCCG-C.
Other names: short protein forms G180fs.
Identifiers: ClinVar variation 1446989 (VCV001446989.6), dbSNP rs2142867804, ClinGen allele CA2573147271.

ClinVar aggregate classification (germline): Pathogenic (1 of 4 stars; one submission).

Conditions:
Hypertrophic cardiomyopathy. Also called: HYPERTROPHIC MYOCARDIOPATHY. Identifiers: Orphanet 217569, MedGen C0007194, MeSH D002312, MONDO:0005045, HP:0001639.

Submission:

Labcorp Genetics (formerly Invitae), Labcorp
Classification: Pathogenic for Hypertrophic cardiomyopathy. Last evaluated: 2021-11-03. Review status: criteria provided, single submitter. Criteria: Invitae Variant Classification Sherloc (09022015). Collection method: clinical testing. Allele origin: germline.
Comment: For these reasons, this variant has been classified as Pathogenic. This variant has not been reported in the literature in individuals affected with MYBPC3-related conditions. This variant is not present in population databases (gnomAD no frequency). This sequence change creates a premature translational stop signal (p.Gly180Profs*4) in the MYBPC3 gene. It is expected to result in an absent or disrupted protein product. Loss-of-function variants in MYBPC3 are known to be pathogenic (PMID: 19574547).

Literature cited by the submitters: PubMed 19574547.